The following is an entry in ClinVar:

ClinVar aggregate classification (germline): Benign/Likely benign. Review status: criteria provided, multiple submitters, no conflicts (2 of 4 stars). 10 submissions from 10 submitters: Benign (1); Likely benign (6). 3 of the submissions do not count toward it. Last evaluated 2025-11-26.

Conditions:
MYBPC3-related disorder. Also called: MYBPC3-related condition; MYBPC3-related disease; MYBPC3-related disorders.
Cardiovascular phenotype. Identifiers: MedGen CN230736.
Cardiomyopathy (CMYO). Also called: Cardiomyopathies. Identifiers: Orphanet 167848, MedGen C0878544, MONDO:0004994, HP:0001638. Inheritance: Various modes of inheritance.
Hypertrophic cardiomyopathy. Also called: HYPERTROPHIC MYOCARDIOPATHY. Identifiers: Orphanet 217569, MedGen C0007194, MeSH D002312, MONDO:0005045, HP:0001639.

Allele frequency attached by ClinVar (database versions not stated): ExAC 0.00006; gnomAD exomes 0.00006; ESP Exome Variant Server 0.00008; TOPMed 0.00008; gnomAD 0.00009 and 0.00010.
gnomAD v4.1: 165 of 1,613,848 alleles (0.01%); highest among the groups gnomAD compares: Non-Finnish European, 0.013%; no homozygotes.

Submissions (10):

Labcorp Genetics (formerly Invitae), Labcorp
Classification: Likely benign for Hypertrophic cardiomyopathy. Last evaluated: 2025-11-26. Review status: criteria provided, single submitter. Criteria: Invitae Variant Classification Sherloc (09022015). Collection method: clinical testing. Allele origin: germline.

Blueprint Genetics
Classification: Likely benign. Last evaluated: 2024-10-14. Review status: criteria provided, single submitter. Criteria: ACMG Guidelines, 2015. Collection method: clinical testing. Allele origin: germline.

All of Us Research Program, National Institutes of Health
Classification: Likely benign for Hypertrophic cardiomyopathy. Last evaluated: 2024-02-05. Review status: criteria provided, single submitter. Criteria: ACMG Guidelines, 2015. Collection method: clinical testing. Allele origin: germline. Inheritance: Autosomal dominant inheritance. Observed: 21 variant alleles, 21 heterozygotes.
Comment: This study involves interpretation of variants in research participants for the purpose of population health screening. Participant phenotype was not available at the time of variant classification. Additional details can be found in publication PMID: 35346344, PMCID: PMC8962531

CHEO Genetics Diagnostic Laboratory, Children's Hospital of Eastern Ontario
Classification: Likely benign for Cardiomyopathy. Last evaluated: 2022-02-03. Review status: criteria provided, single submitter. Criteria: ACMG Guidelines, 2015. Collection method: clinical testing. Allele origin: germline.

Color Diagnostics, LLC DBA Color Health
Classification: Likely benign for Cardiomyopathy. Last evaluated: 2018-10-22. Review status: criteria provided, single submitter. Criteria: ACMG Guidelines, 2015. Collection method: clinical testing. Allele origin: germline.

Ambry Genetics
Classification: Likely benign for Cardiovascular phenotype. Last evaluated: 2018-01-05. Review status: criteria provided, single submitter. Criteria: Ambry Variant Classification Scheme 2023. Collection method: clinical testing. Allele origin: germline.

GeneDx
Classification: Benign. Last evaluated: 2011-07-13. Review status: criteria provided, single submitter. Criteria: GeneDx Variant Classification (06012015). Collection method: clinical testing. Allele origin: germline. Affected: yes.
Comment: This variant is considered likely benign or benign based on one or more of the following criteria: it is a conservative change, it occurs at a poorly conserved position in the protein, it is predicted to be benign by multiple in silico algorithms, and/or has population frequency not consistent with disease.

PreventionGenetics, part of Exact Sciences
Classification: Likely benign for MYBPC3-related condition. Last evaluated: 2020-11-20. Review status: no assertion criteria provided. Collection method: clinical testing. Allele origin: germline. Not counted in ClinVar's aggregate classification.
Comment: This variant is classified as likely benign based on ACMG/AMP sequence variant interpretation guidelines (Richards et al. 2015 PMID: 25741868, with internal and published modifications).

Clinical Genetics DNA and cytogenetics Diagnostics Lab, Erasmus MC, Erasmus Medical Center
Classification: Likely benign. Review status: no assertion criteria provided. Collection method: clinical testing. Allele origin: germline. Affected: yes. Study: VKGL Data-share Consensus. Not counted in ClinVar's aggregate classification.

Joint Genome Diagnostic Labs from Nijmegen and Maastricht, Radboudumc and MUMC+
Classification: Likely benign. Review status: no assertion criteria provided. Collection method: clinical testing. Allele origin: germline. Affected: yes. Study: VKGL Data-share Consensus. Not counted in ClinVar's aggregate classification.

NM_000256.3(MYBPC3):c.1989T>A (p.Ala663=)

Gene: MYBPC3 (myosin binding protein C3; minus strand). Cytogenetic location: 11p11.2.
Variant type: single nucleotide variant.
Coding change: c.1989T>A on transcript NM_000256.3 (MANE Select); coding-DNA position 1989, T replaced by A.
Protein change: p.Ala663=; no amino-acid change (alanine 663 retained).
Molecular consequence: synonymous variant.
Genome position (GRCh38, 1-based): chr11:47,339,729, A>T on the plus strand (T>A on the coding strand, the complement: MYBPC3 is on the minus strand). VCF-style: chr11-47339729-A-T. GRCh37 (hg19) VCF-style: chr11-47361280-A-T.
Other names: p.A663A:GCT>GCA; c.1989T>A, p.Ala663= (LRG_386t1).
Identifiers: ClinVar variation 138318 (VCV000138318.19), dbSNP rs375467797, ClinGen allele CA011598.
Genomic context (GRCh38, chr11:47,339,729, plus strand): 5'-CCAGATCACAGTGGGAGCAGGGTCCCCAGAGATAGGGACGTCCAGACGTAGCTTATTTCC[A>T]GCTACAACCACAATGGTGTCTGGTATGCGGCCTGGGCAGTCCAGGTGGATCTTGGGAGGT-3'
Protein context (NP_000247.2, residues 653-673): GRIPDTIVVV[Ala663=]GNKLRLDVPI